The following is an entry in ClinVar:

ClinVar aggregate classification (germline): Likely benign (1 of 4 stars; one submission).

Conditions:
Renal tubular dysgenesis. Also called: Renotubular dysgenesis. Identifiers: Orphanet 3033, MedGen C0266313, MONDO:0017609, HP:0008660.

Allele frequency attached by ClinVar (database versions not stated): gnomAD 0.00026 and 0.00034; TOPMed 0.00043; 1000 Genomes Project 0.00180; 1000 Genomes Project 30x 0.00219.

Submission:

Illumina Laboratory Services, Illumina
Classification: Likely benign for Renal tubular dysgenesis of genetic origin. Last evaluated: 2018-01-13. Review status: criteria provided, single submitter. Criteria: ICSL Variant Classification Criteria 13 December 2019. Collection method: clinical testing. Allele origin: germline.
Comment: This variant was observed in the ICSL laboratory as part of a predisposition screen in an ostensibly healthy population. It had not been previously curated by ICSL or reported in the Human Gene Mutation Database (HGMD: prior to June 1st, 2018), and was therefore a candidate for classification through an automated scoring system. Utilizing variant allele frequency, disease prevalence and penetrance estimates, and inheritance mode, an automated score was calculated to assess if this variant is too frequent to cause the disease. Based on the score and internal cut-off values, a variant classified as likely benign is not then subjected to further curation. The score for this variant resulted in a classification of likely benign for this disease.

NM_000685.5(AGTR1):c.-239G>T

Gene: AGTR1 (angiotensin II receptor type 1; plus strand). Cytogenetic location: 3q24.
Variant type: single nucleotide variant.
Coding change: c.-239G>T on transcript NM_000685.5 (MANE Select); 239 bases upstream of the start codon, G replaced by T.
Molecular consequence: 5 prime UTR variant.
Genome position (GRCh38, 1-based): chr3:148,698,020, G>T. VCF-style: chr3-148698020-G-T. GRCh37 (hg19) VCF-style: chr3-148415807-G-T.
Other names: c.-177G>T (NM_001382736.1); c.-261G>T (NM_001382737.1); c.-213G>T (NM_004835.5); c.-155G>T (NM_009585.4); c.-297G>T (NM_031850.4); c.-370G>T (NM_032049.4).
Identifiers: ClinVar variation 343665 (VCV000343665.5), dbSNP rs547351627, ClinGen allele CA10617439.